The following is an entry in ClinVar:

NM_002880.4(RAF1):c.418A>T (p.Asn140Tyr)

Gene: RAF1 (Raf-1 proto-oncogene, serine/threonine kinase; minus strand). Cytogenetic location: 3p25.2.
Variant type: single nucleotide variant.
Coding change: c.418A>T on transcript NM_002880.4 (MANE Select); coding-DNA position 418, A replaced by T.
Protein change: p.Asn140Tyr; replaces asparagine 140 with tyrosine.
Molecular consequence: missense variant. On other transcripts: non-coding transcript variant (3).
Genome position (GRCh38, 1-based): chr3:12,609,238, T>A on the plus strand (A>T on the coding strand, the complement: RAF1 is on the minus strand). VCF-style: chr3-12609238-T-A. GRCh37 (hg19) VCF-style: chr3-12650737-T-A.
Other names: c.418A>T, p.Asn140Tyr (NM_001354689.3, NM_001354690.3, NM_001354693.3); c.175A>T, p.Asn59Tyr (NM_001354691.3, NM_001354692.3, NM_001354694.3 and 1 more transcripts); short protein forms N140Y, N59Y.
Identifiers: ClinVar variation 2125404 (VCV002125404.4), dbSNP rs730881009, ClinGen allele CA351518086.

ClinVar aggregate classification (germline): Uncertain significance (1 of 4 stars; one submission).

Conditions:
RASopathy. Also called: rasopathies; Noonan spectrum disorder. Identifiers: Orphanet 536391, MedGen C5555857, MONDO:0021060.

Submission:

Labcorp Genetics (formerly Invitae), Labcorp
Classification: Uncertain significance for RASopathy. Last evaluated: 2022-05-18. Review status: criteria provided, single submitter. Criteria: Invitae Variant Classification Sherloc (09022015). Collection method: clinical testing. Allele origin: germline.
Comment: In summary, the available evidence is currently insufficient to determine the role of this variant in disease. Therefore, it has been classified as a Variant of Uncertain Significance. Advanced modeling of protein sequence and biophysical properties (such as structural, functional, and spatial information, amino acid conservation, physicochemical variation, residue mobility, and thermodynamic stability) performed at Invitae indicates that this missense variant is expected to disrupt RAF1 protein function. This variant has not been reported in the literature in individuals affected with RAF1-related conditions. This variant is not present in population databases (gnomAD no frequency). This sequence change replaces asparagine, which is neutral and polar, with tyrosine, which is neutral and polar, at codon 140 of the RAF1 protein (p.Asn140Tyr).